The following is an entry in ClinVar:

NM_000169.3(GLA):c.281G>C (p.Cys94Ser)

Genes: GLA (galactosidase alpha; minus strand), RPL36A-HNRNPH2 (RPL36A-HNRNPH2 readthrough; plus strand). Cytogenetic location: Xq22.1.
Variant type: single nucleotide variant.
Coding change: c.281G>C on transcript NM_000169.3 (MANE Select); coding-DNA position 281, G replaced by C.
Protein change: p.Cys94Ser; replaces cysteine 94 with serine.
Molecular consequence: missense variant. On other transcripts: non-coding transcript variant (3), intron variant (2).
Genome position (GRCh38, 1-based): chrX:101,403,899, C>G on the plus strand (G>C on the coding strand, the complement: GLA is on the minus strand). VCF-style: chrX-101403899-C-G. GRCh37 (hg19) VCF-style: chrX-100658887-C-G.
Other names: c.404G>C, p.Cys135Ser (NM_001406747.1, NM_001406749.1); c.281G>C, p.Cys94Ser (NM_001406748.1); c.301-8037C>G (NM_001199973.2); c.178-8037C>G (NM_001199974.2); short protein forms C94S, C135S.
Identifiers: ClinVar variation 3724331 (VCV003724331.4), dbSNP rs113173389.

ClinVar aggregate classification (germline): Pathogenic. Review status: criteria provided, multiple submitters, no conflicts (2 of 4 stars). 2 submissions from 2 submitters: Pathogenic (2). Last evaluated 2026-09-08.

Conditions:
Fabry disease. Also called: ALPHA-GALACTOSIDASE A DEFICIENCY; Fabry's disease; Ceramide trihexosidosis; Angiokeratoma corporis diffusum; ANDERSON-FABRY DISEASE; CERAMIDE TRIHEXOSIDASE DEFICIENCY. Identifiers: Orphanet 324, MedGen C0002986, MONDO:0010526, OMIM 301500, HP:0001071. Disease mechanism: loss of function, Fabry disease is due to inactivating mutations in the X-linked GLA gene resulting in deficiency of the enzyme Alpha Galactosidase-A..

Submissions (2):

Genomenon, Inc
Classification: Pathogenic for Fabry disease. Last evaluated: 2026-09-08. Review status: criteria provided, single submitter. Criteria: Genomenon Sequence Variant Interpretation Standards - Updated. Collection method: curation. Allele origin: germline. Affected: yes.
Comment: GLA p.Cys94Ser (c.281G>C) is a missense variant that changes the amino acid at codon 94 from Cysteine to Serine. This variant has been observed in at least one proband with clinical features consistent with Fabry disease (PMID:26415523;32531501;11668641;24015197). The variant was found to segregate with disease in at least one affected family (PMID:32531501). At least one functional study has demonstrated a substantial alteration in protein function relative to the wild-type (PMID:32023956;21598360;26415523;27657681). This variant is located in a mutational hotspot and/or important functional domain. It is absent or not present at a significant frequency in gnomAD. In silico models predict that this variant is possibly or probably damaging. In conclusion, we classify GLA p.Cys94Ser (c.281G>C) as a pathogenic variant.

Labcorp Genetics (formerly Invitae), Labcorp
Classification: Pathogenic for Fabry disease. Last evaluated: 2024-12-25. Review status: criteria provided, single submitter. Criteria: Invitae Variant Classification Sherloc (09022015). Collection method: clinical testing. Allele origin: germline.
Comment: This sequence change replaces cysteine, which is neutral and slightly polar, with serine, which is neutral and polar, at codon 94 of the GLA protein (p.Cys94Ser). This variant is not present in population databases (gnomAD no frequency). This missense change has been observed in individual(s) with Fabry disease (PMID: 11668641, 21598360, 23176611, 26415523, 28988177). Invitae Evidence Modeling of protein sequence and biophysical properties (such as structural, functional, and spatial information, amino acid conservation, physicochemical variation, residue mobility, and thermodynamic stability) indicates that this missense variant is expected to disrupt GLA protein function with a positive predictive value of 80%. Experimental studies have shown that this missense change affects GLA function (PMID: 21598360, 26415523). This variant disrupts the p.Cys94 amino acid residue in GLA. Other variant(s) that disrupt this residue have been determined to be pathogenic (PMID: 9100224; internal data). This suggests that this residue is clinically significant, and that variants that disrupt this residue are likely to be disease-causing. For these reasons, this variant has been classified as Pathogenic.

Literature cited by the submitters: PubMed 26415523 (cited by Genomenon, Inc and Labcorp Genetics (formerly Invitae), Labcorp); PubMed 32531501 (cited by Genomenon, Inc); PubMed 11668641 (cited by Genomenon, Inc and Labcorp Genetics (formerly Invitae), Labcorp); PubMed 24015197 (cited by Genomenon, Inc); PubMed 32023956 (cited by Genomenon, Inc); PubMed 21598360 (cited by Genomenon, Inc and Labcorp Genetics (formerly Invitae), Labcorp); PubMed 27657681 (cited by Genomenon, Inc); PubMed 23176611 (cited by Labcorp Genetics (formerly Invitae), Labcorp); PubMed 28988177 (cited by Labcorp Genetics (formerly Invitae), Labcorp); PubMed 9100224 (cited by Labcorp Genetics (formerly Invitae), Labcorp).